The following is an entry in ClinVar:

NM_000059.4(BRCA2):c.1905T>A (p.Asp635Glu)

Gene: BRCA2 (BRCA2 DNA repair associated; plus strand). Cytogenetic location: 13q13.1.
Variant type: single nucleotide variant.
Coding change: c.1905T>A on transcript NM_000059.4 (MANE Select); coding-DNA position 1905, T replaced by A.
Protein change: p.Asp635Glu; replaces aspartic acid 635 with glutamic acid.
Molecular consequence: missense variant.
Genome position (GRCh38, 1-based): chr13:32,333,383, T>A. VCF-style: chr13-32333383-T-A. GRCh37 (hg19) VCF-style: chr13-32907520-T-A.
Other names: short protein forms D635E.
Identifiers: ClinVar variation 820280 (VCV000820280.18), dbSNP rs1555282154, ClinGen allele CA387767363.

ClinVar aggregate classification (germline): Conflicting classifications of pathogenicity. Review status: criteria provided, conflicting classifications (1 of 4 stars). 4 submissions from 4 submitters: Uncertain significance (3); Likely benign (1). Last evaluated 2026-01-16.

Conditions:
Hereditary cancer-predisposing syndrome. Also called: Neoplastic Syndromes, Hereditary; Tumor predisposition; Hereditary Cancer Syndrome; Hereditary neoplastic syndrome. Identifiers: Orphanet 140162, MedGen C0027672, MeSH D009386, MONDO:0015356.
Hereditary breast ovarian cancer syndrome. Also called: Hereditary breast and/or ovarian cancer syndrome; BRCA1- and BRCA2-Associated Hereditary Breast and Ovarian Cancer; Hereditary breast and ovarian cancer syndrome; Hereditary breast and ovarian cancer; Hereditary breast and ovarian cancer syndrome (HBOC); Breast and ovarian cancer. Identifiers: Orphanet 145, MedGen C0677776, MeSH D061325, MONDO:0003582. Disease mechanism: loss of function.

gnomAD v4.1: 3 of 1,610,194 alleles (0.00019%); highest among the groups gnomAD compares: East Asian, 0.0045%; no homozygotes.

Submissions (4):

Labcorp Genetics (formerly Invitae), Labcorp
Classification: Uncertain significance for Hereditary breast ovarian cancer syndrome. Last evaluated: 2026-01-16. Review status: criteria provided, single submitter. Criteria: Invitae Variant Classification Sherloc (09022015). Collection method: clinical testing. Allele origin: germline.
Comment: This sequence change replaces aspartic acid, which is acidic and polar, with glutamic acid, which is acidic and polar, at codon 635 of the BRCA2 protein (p.Asp635Glu). This variant is not present in population databases (gnomAD no frequency). This variant has not been reported in the literature in individuals affected with BRCA2-related conditions. ClinVar contains an entry for this variant (Variation ID: 820280). Invitae Evidence Modeling of protein sequence and biophysical properties (such as structural, functional, and spatial information, amino acid conservation, physicochemical variation, residue mobility, and thermodynamic stability) indicates that this missense variant is not expected to disrupt BRCA2 protein function with a negative predictive value of 95%. In summary, the available evidence is currently insufficient to determine the role of this variant in disease. Therefore, it has been classified as a Variant of Uncertain Significance.

Ambry Genetics
Classification: Uncertain significance for Hereditary cancer-predisposing syndrome. Last evaluated: 2025-11-02. Review status: criteria provided, single submitter. Criteria: Ambry Variant Classification Scheme 2023. Collection method: clinical testing. Allele origin: germline.
Comment: The p.D635E variant (also known as c.1905T>A), located in coding exon 9 of the BRCA2 gene, results from a T to A substitution at nucleotide position 1905. The aspartic acid at codon 635 is replaced by glutamic acid, an amino acid with highly similar properties. This alteration was observed in 0/7,051 unselected female breast cancer patients and was observed in 3/11,241 female controls of Japanese ancestry. In addition, it was observed in 1/53 unselected male breast cancer patients and in 1/12,490 male controls of Japanese ancestry (Momozawa Y et al. Nat Commun, 2018 Oct;9:4083). This alteration was detected in a study of 11,386 Chinese Han individuals over 19 years of age without history of cancer undergoing routine health examinations (Dong H et al. J Med Genet, 2021 Aug;58:565-569). This amino acid position is not well conserved in available vertebrate species. In addition, this alteration is predicted to be tolerated by in silico analysis. Since supporting evidence is limited at this time, the clinical significance of this alteration remains unclear.

University of Washington Department of Laboratory Medicine, University of Washington
Classification: Likely benign for Hereditary cancer-predisposing syndrome. Last evaluated: 2023-03-23. Review status: criteria provided, single submitter. Criteria: Dines et al. (Genet Med. 2020). Collection method: curation. Allele origin: germline.
Comment: Missense variant in a coldspot region where missense variants are very unlikely to be pathogenic (PMID:31911673).

BRCA2 exon 10 coldspot. Reclassification based on statistical prior probability.

Color Diagnostics, LLC DBA Color Health
Classification: Uncertain significance for Hereditary cancer-predisposing syndrome. Last evaluated: 2021-03-15. Review status: criteria provided, single submitter. Criteria: ACMG Guidelines, 2015. Collection method: clinical testing. Allele origin: germline.
Comment: This missense variant replaces aspartic acid with glutamic acid at codon 635 of the BRCA2 protein. Computational prediction suggests that this variant may not impact protein structure and function (internally defined REVEL score threshold <= 0.5, PMID: 27666373). To our knowledge, functional studies have not been reported for this variant. This variant has been reported in an individual affected with breast cancer (PMID: 30287823) but also in healthy control individuals (PMID: 30287823, 32980694). This variant has not been identified in the general population by the Genome Aggregation Database (gnomAD) but has been reported in a population study in Macau (PMID: 32817299). The available evidence is insufficient to determine the role of this variant in disease conclusively. Therefore, this variant is classified as a Variant of Uncertain Significance.

Literature cited by the submitters: PubMed 30287823 (cited by Ambry Genetics); PubMed 32467295 (cited by Ambry Genetics).